The following is an entry in ClinVar:

NM_001349253.2(SCN11A):c.2395A>G (p.Lys799Glu)

Gene: SCN11A (sodium voltage-gated channel alpha subunit 11; minus strand). Cytogenetic location: 3p22.2.
Variant type: single nucleotide variant.
Coding change: c.2395A>G on transcript NM_001349253.2 (MANE Select); coding-DNA position 2395, A replaced by G.
Protein change: p.Lys799Glu; replaces lysine 799 with glutamic acid.
Molecular consequence: missense variant.
Genome position (GRCh38, 1-based): chr3:38,896,853, T>C on the plus strand (A>G on the coding strand, the complement: SCN11A is on the minus strand). VCF-style: chr3-38896853-T-C. GRCh37 (hg19) VCF-style: chr3-38938344-T-C.
Other names: c.2395A>G, p.Lys799Glu (NM_014139.3); short protein forms K799E.
Identifiers: ClinVar variation 650547 (VCV000650547.7), dbSNP rs914965285, ClinGen allele CA72959231.
Genomic context (GRCh38, chr3:38,896,853, plus strand): 5'-AGAGGCATGTAGGATCTTTTTTTTTTTTTTGAAAAAAATCTAAGACACATACCACAAGTT[T>C]TCCTATCACCGTGATCAATATGAAGACAATAACACACAATGATGATGATGCATTCGCTTC-3'
Protein context (NP_001336182.1, residues 789-809): IVFILITVIG[Lys799Glu]LVVLNLFIAL

ClinVar aggregate classification (germline): Uncertain significance. Review status: criteria provided, multiple submitters, no conflicts (2 of 4 stars). 2 submissions from 2 submitters: Uncertain significance (2). Last evaluated 2020-04-09.

Conditions:
Hereditary sensory and autonomic neuropathy type 7. Also called: HSAN VII; Neuropathy, hereditary sensory and autonomic, type VII. Identifiers: Orphanet 391397, MedGen C3809882, MONDO:0014244, OMIM 615548.
Familial episodic pain syndrome with predominantly lower limb involvement. Also called: Episodic pain syndrome, familial, 3. Identifiers: Orphanet 391384, Orphanet 391392, MedGen C3809899, MONDO:0014247, OMIM 615552.
Inborn genetic diseases. Identifiers: MedGen C0950123, MeSH D030342.

Allele frequency attached by ClinVar (database versions not stated): gnomAD exomes 0.00001; TOPMed 0.00001.
gnomAD v4.1: 4 of 1,544,508 alleles (0.00026%); highest among the groups gnomAD compares: Non-Finnish European, 0.00035%; no homozygotes.

Submissions (2):

Labcorp Genetics (formerly Invitae), Labcorp
Classification: Uncertain significance for Familial episodic pain syndrome with predominantly lower limb involvement; Hereditary sensory and autonomic neuropathy type 7. Last evaluated: 2020-04-09. Review status: criteria provided, single submitter. Criteria: Invitae Variant Classification Sherloc (09022015). Collection method: clinical testing. Allele origin: germline.
Comment: This variant has not been reported in the literature in individuals with SCN11A-related conditions. This variant is not present in population databases (ExAC no frequency). This sequence change replaces lysine with glutamic acid at codon 799 of the SCN11A protein (p.Lys799Glu). The lysine residue is highly conserved and there is a small physicochemical difference between lysine and glutamic acid. In summary, the available evidence is currently insufficient to determine the role of this variant in disease. Therefore, it has been classified as a Variant of Uncertain Significance. Algorithms developed to predict the effect of missense changes on protein structure and function are either unavailable or do not agree on the potential impact of this missense change (SIFT: "Deleterious"; PolyPhen-2: "Possibly Damaging"; Align-GVGD: "Class C0").

Ambry Genetics
Classification: Uncertain significance for Inborn genetic diseases. Last evaluated: 2019-10-15. Review status: criteria provided, single submitter. Criteria: Ambry Variant Classification Scheme 2023. Collection method: clinical testing. Allele origin: germline.
Comment: The p.K799E variant (also known as c.2395A>G), located in coding exon 14 of the SCN11A gene, results from an A to G substitution at nucleotide position 2395. The lysine at codon 799 is replaced by glutamic acid, an amino acid with similar properties. This amino acid position is not well conserved in available vertebrate species. In addition, the in silico prediction for this alteration is inconclusive. Since supporting evidence is limited at this time, the clinical significance of this alteration remains unclear.